The following is an entry in ClinVar:

NM_001100.4(ACTA1):c.704C>A (p.Ser235Tyr)

Gene: ACTA1 (actin alpha 1, skeletal muscle; minus strand). Cytogenetic location: 1q42.13.
Variant type: single nucleotide variant.
Coding change: c.704C>A on transcript NM_001100.4 (MANE Select); coding-DNA position 704, C replaced by A.
Protein change: p.Ser235Tyr; replaces serine 235 with tyrosine.
Molecular consequence: missense variant.
Genome position (GRCh38, 1-based): chr1:229,432,098, G>T on the plus strand (C>A on the coding strand, the complement: ACTA1 is on the minus strand). VCF-style: chr1-229432098-G-T. GRCh37 (hg19) VCF-style: chr1-229567845-G-T.
Other names: short protein forms S235Y.
Identifiers: ClinVar variation 1456499 (VCV001456499.9), dbSNP rs2102735630, ClinGen allele CA345146965.
Genomic context (GRCh38, chr1:229,432,098, plus strand): 5'-TCGTTGCCGATGGTGATGACCTGCCCGTCTGGCAGCTCGTAGCTCTTTTCCAGGGAGGAG[G>T]AGGAGGCGGCCGTCGCCATCTCGTTCTCGAAGTCCAGGGCCACGTAGCACAGCTTCTCCT-3'
Protein context (NP_001091.1, residues 225-245): FENEMATAAS[Ser235Tyr]SSLEKSYELP

ClinVar aggregate classification (germline): Pathogenic/Likely pathogenic. Review status: criteria provided, multiple submitters, no conflicts (2 of 4 stars). 2 submissions from 2 submitters: Pathogenic (1); Likely pathogenic (1). Last evaluated 2023-09-12.

Conditions:
ACTA1-related disorder. Also called: ACTA1-related condition.
Actin accumulation myopathy (CMYO2A). Also called: Myopathy, actin, congenital, with cores; Nemaline myopathy 3, with intranuclear rods; CONGENITAL MYOPATHY 2A, TYPICAL, AUTOSOMAL DOMINANT; Nemaline myopathy type 3; Myopathy, actin, congenital, with excess of thin myofilaments. Identifiers: Orphanet 98904, MedGen C3711389, MONDO:0008070, OMIM 161800.

Submissions (2):

Blueprint Genetics
Classification: Likely pathogenic for ACTA1-related disorders. Last evaluated: 2023-09-12. Review status: criteria provided, single submitter. Criteria: ACMG Guidelines, 2015. Collection method: clinical testing. Allele origin: de novo. Affected: yes. Observed: 1 variant allele.

Labcorp Genetics (formerly Invitae), Labcorp
Classification: Pathogenic for Actin accumulation myopathy. Last evaluated: 2021-06-03. Review status: criteria provided, single submitter. Criteria: Invitae Variant Classification Sherloc (09022015). Collection method: clinical testing. Allele origin: germline.
Comment: This sequence change replaces serine with tyrosine at codon 235 of the ACTA1 protein (p.Ser235Tyr). The serine residue is highly conserved and there is a large physicochemical difference between serine and tyrosine. This variant is not present in population databases (ExAC no frequency). This variant has been observed in individual(s) with clinical features of myopathy (Invitae). In at least one individual the variant was observed to be de novo. Advanced modeling of protein sequence and biophysical properties (such as structural, functional, and spatial information, amino acid conservation, physicochemical variation, residue mobility, and thermodynamic stability) performed at Invitae indicates that this missense variant is expected to disrupt ACTA1 protein function. For these reasons, this variant has been classified as Pathogenic.